The following is an entry in ClinVar:

ClinVar aggregate classification (germline): Pathogenic/Likely pathogenic. Review status: criteria provided, multiple submitters, no conflicts (2 of 4 stars). 7 submissions from 7 submitters: Pathogenic (4); Likely pathogenic (2). 1 of the submissions does not count toward it. Last evaluated 2024-05-08.

Conditions:
Hereditary cancer-predisposing syndrome. Also called: Hereditary neoplastic syndrome; Neoplastic Syndromes, Hereditary; Tumor predisposition; Hereditary Cancer Syndrome. Identifiers: Orphanet 140162, MedGen C0027672, MeSH D009386, MONDO:0015356.
Aplastic anemia. Identifiers: Orphanet 182040, Orphanet 88, MedGen C0002874, MONDO:0015909, OMIM 609135, HP:0001915.
Breast and/or ovarian cancer. Identifiers: MedGen CN221562.
Microcephaly, normal intelligence and immunodeficiency (NBS). Also called: Nijmegen breakage syndrome; Microcephaly with normal intelligence immunodeficiency and lymphoreticular malignancies; Nonsyndromal microcephaly autosomal recessive with normal intelligence; Seemanova syndrome 2; SEEMANOVA SYNDROME II; BERLIN BREAKAGE SYNDROME. Identifiers: Orphanet 647, MedGen C0398791, MONDO:0009623, OMIM 251260.

Submissions (7):

Myriad Genetics, Inc.
Classification: Pathogenic for Microcephaly, normal intelligence and immunodeficiency. Last evaluated: 2024-05-08. Review status: criteria provided, single submitter. Criteria: Myriad Autosomal Dominant, Autosomal Recessive and X-Linked Classification Criteria (2023). Collection method: clinical testing. Allele origin: unknown.
Comment: NM_002485.4(NBN):c.188delT(I63Tfs*4) is expected to be pathogenic in the context of Nijmegen breakage syndrome. This variant is predicted to lead to an abnormal or absent protein product due to the creation of a premature termination codon in NBN, a gene where loss-of-function variants are known to be pathogenic. Please note: this variant was assessed in the context of healthy population screening.

Baylor Genetics
Classification: Likely pathogenic for Aplastic anemia. Last evaluated: 2023-06-22. Review status: criteria provided, single submitter. Criteria: ACMG Guidelines, 2015. Collection method: clinical testing. Allele origin: unknown.

Labcorp Genetics (formerly Invitae), Labcorp
Classification: Pathogenic for Microcephaly, normal intelligence and immunodeficiency. Last evaluated: 2023-05-03. Review status: criteria provided, single submitter. Criteria: Invitae Variant Classification Sherloc (09022015). Collection method: clinical testing. Allele origin: germline.
Comment: For these reasons, this variant has been classified as Pathogenic. ClinVar contains an entry for this variant (Variation ID: 232165). This variant has not been reported in the literature in individuals affected with NBN-related conditions. This variant is not present in population databases (gnomAD no frequency). This sequence change creates a premature translational stop signal (p.Ile63Thrfs*4) in the NBN gene. It is expected to result in an absent or disrupted protein product. Loss-of-function variants in NBN are known to be pathogenic (PMID: 9590180, 16415040).

Genome-Nilou Lab
Classification: Pathogenic for Microcephaly, normal intelligence and immunodeficiency. Last evaluated: 2021-11-07. Review status: criteria provided, single submitter. Criteria: ACMG Guidelines, 2015. Collection method: clinical testing. Allele origin: germline. Affected: no.

GeneDx
Classification: Likely pathogenic. Last evaluated: 2021-11-04. Review status: criteria provided, single submitter. Criteria: GeneDx Variant Classification Process June 2021. Collection method: clinical testing. Allele origin: germline. Affected: yes.
Comment: Frameshift variant predicted to result in protein truncation or nonsense mediated decay in a gene for which loss-of-function is a known mechanism of disease; Not observed at significant frequency in large population cohorts (Lek et al., 2016); Has not been previously published as pathogenic or benign to our knowledge

Ambry Genetics
Classification: Pathogenic for Hereditary cancer-predisposing syndrome. Last evaluated: 2020-08-25. Review status: criteria provided, single submitter. Criteria: Ambry Variant Classification Scheme 2023. Collection method: clinical testing. Allele origin: germline.
Comment: The c.188delT pathogenic mutation, located in coding exon 3 of the NBN gene, results from a deletion of one nucleotide at nucleotide position 188, causing a translational frameshift with a predicted alternate stop codon (p.I63Tfs*4). This alteration is expected to result in loss of function by premature protein truncation or nonsense-mediated mRNA decay. As such, this alteration is interpreted as a disease-causing mutation.

CZECANCA consortium
Classification: Pathogenic for Breast and/or ovarian cancer. Last evaluated: 2019-06-11. Review status: no assertion criteria provided. Collection method: clinical testing. Allele origin: germline. Affected: yes. Observed: 1 variant allele. Not counted in ClinVar's aggregate classification.

Literature cited by the submitters: PubMed 9590180 (cited by Labcorp Genetics (formerly Invitae), Labcorp); PubMed 16415040 (cited by Labcorp Genetics (formerly Invitae), Labcorp); PubMed 32295079 (cited by CZECANCA consortium).

NM_002485.5(NBN):c.188del (p.Ile63fs)

Gene: NBN (nibrin; minus strand). Cytogenetic location: 8q21.3.
Variant type: Deletion.
Coding change: c.188del on transcript NM_002485.5 (MANE Select); coding-DNA position 188, one base deleted (T; older notation c.188delT).
Protein change: p.Ile63fs; shifts the reading frame from isoleucine 63.
Molecular consequence: frameshift variant. On other transcripts: 5 prime UTR variant (1).
Genome position (GRCh38, 1-based): chr8:89,981,507, A deleted on the plus strand (T on the coding strand, the reverse complement: NBN is on the minus strand). VCF-style (leftmost placement, unchanged base first): chr8-89981506-GA-G. GRCh37 (hg19) VCF-style: chr8-90993734-GA-G.
Other names: c.-59del (NM_001024688.3); c.188delT (NM_002485.4); short protein forms I63fs.
Identifiers: ClinVar variation 232165 (VCV000232165.20), dbSNP rs876659592, ClinGen allele CA10578808.